The following is an entry in ClinVar:

NM_003468.4(FZD5):c.1282C>T (p.Arg428Cys)

Gene: FZD5 (frizzled class receptor 5; minus strand). Cytogenetic location: 2q33.3.
Variant type: single nucleotide variant.
Coding change: c.1282C>T on transcript NM_003468.4 (MANE Select); coding-DNA position 1282, C replaced by T.
Protein change: p.Arg428Cys; replaces arginine 428 with cysteine.
Molecular consequence: missense variant.
Genome position (GRCh38, 1-based): chr2:207,767,458, G>A on the plus strand (C>T on the coding strand, the complement: FZD5 is on the minus strand). VCF-style: chr2-207767458-G-A. GRCh37 (hg19) VCF-style: chr2-208632182-G-A.
Other names: short protein forms R428C.
Identifiers: ClinVar variation 4742495 (VCV004742495.1).
Genomic context (GRCh38, chr2:207,767,458, plus strand): 5'-TCATGAGCTTCTCCAGCTTGTCCGTCTTGGTGCCGCCCTGCTTGATGACGCTGCGGATGC[G>A]GAAGAGCGACACGAAGCCCGCCAGCAGGAAGAGCGTGCCCACCAGCAGGTAGAGCACCAG-3'
Protein context (NP_003459.2, residues 418-438): FLLAGFVSLF[Arg428Cys]IRSVIKQGGT

ClinVar aggregate classification (germline): Uncertain significance (1 of 4 stars; one submission).

Submission:

Labcorp Genetics (formerly Invitae), Labcorp
Classification: Uncertain significance. Last evaluated: 2025-10-08. Review status: criteria provided, single submitter. Criteria: Invitae Variant Classification Sherloc (09022015). Collection method: clinical testing. Allele origin: germline.
Comment: This sequence change replaces arginine, which is basic and polar, with cysteine, which is neutral and slightly polar, at codon 428 of the FZD5 protein (p.Arg428Cys). This variant is not present in population databases (gnomAD no frequency). This variant has not been reported in the literature in individuals affected with FZD5-related conditions. Invitae Evidence Modeling of protein sequence and biophysical properties (such as structural, functional, and spatial information, amino acid conservation, physicochemical variation, residue mobility, and thermodynamic stability) indicates that this missense variant is expected to disrupt FZD5 protein function with a positive predictive value of 80%. In summary, the available evidence is currently insufficient to determine the role of this variant in disease. Therefore, it has been classified as a Variant of Uncertain Significance.